The following is an entry in ClinVar:

NM_020433.5(JPH2):c.1180_1181del (p.Ala394fs)

Gene: JPH2 (junctophilin 2; minus strand). Cytogenetic location: 20q13.12.
Variant type: Deletion.
Coding change: c.1180_1181del on transcript NM_020433.5 (MANE Select); coding-DNA positions 1180 to 1181, 2 bases deleted (GC; older notation c.1180_1181delGC).
Protein change: p.Ala394fs; shifts the reading frame from alanine 394.
Molecular consequence: frameshift variant.
Genome position (GRCh38, 1-based): chr20:44,118,612-44,118,613, GC deleted on the plus strand (GC on the coding strand, the reverse complement: JPH2 is on the minus strand); deleting any 2 consecutive bases within chr20:44,118,612-44,118,614 gives the same sequence; the c. name uses the placement nearest the transcript's 3' end. VCF-style (leftmost placement, unchanged base first): chr20-44118611-GGC-G. GRCh37 (hg19) VCF-style: chr20-42747251-GGC-G.
Other names: short protein forms A394fs.
Identifiers: ClinVar variation 2009659 (VCV002009659.4), dbSNP rs2515719817, ClinGen allele CA2580098214.

ClinVar aggregate classification (germline): Uncertain significance (1 of 4 stars; one submission).

Conditions:
Hypertrophic cardiomyopathy. Also called: HYPERTROPHIC MYOCARDIOPATHY. Identifiers: Orphanet 217569, MedGen C0007194, MeSH D002312, MONDO:0005045, HP:0001639.

Submission:

Labcorp Genetics (formerly Invitae), Labcorp
Classification: Uncertain significance for Hypertrophic cardiomyopathy. Last evaluated: 2022-06-23. Review status: criteria provided, single submitter. Criteria: Invitae Variant Classification Sherloc (09022015). Collection method: clinical testing. Allele origin: germline.
Comment: This sequence change creates a premature translational stop signal (p.Ala394Glnfs*5) in the JPH2 gene. It is expected to result in an absent or disrupted protein product. However, the current clinical and genetic evidence is not sufficient to establish whether loss-of-function variants in JPH2 cause disease. This variant is not present in population databases (gnomAD no frequency). This variant has not been reported in the literature in individuals affected with JPH2-related conditions. In summary, the available evidence is currently insufficient to determine the role of this variant in disease. Therefore, it has been classified as a Variant of Uncertain Significance.